The following is an entry in ClinVar:

NM_145725.3(TRAF3):c.718G>C (p.Val240Leu)

Gene: TRAF3 (TNF receptor associated factor 3; plus strand). Cytogenetic location: 14q32.32.
Variant type: single nucleotide variant.
Coding change: c.718G>C on transcript NM_145725.3 (MANE Select); coding-DNA position 718, G replaced by C.
Protein change: p.Val240Leu; replaces valine 240 with leucine.
Molecular consequence: missense variant. On other transcripts: intron variant (2).
Genome position (GRCh38, 1-based): chr14:102,889,626, G>C. VCF-style: chr14-102889626-G-C. GRCh37 (hg19) VCF-style: chr14-103355963-G-C.
Other names: c.718G>C, p.Val240Leu (NM_001385142.1, NM_003300.4); c.637G>C, p.Val213Leu (NM_001385143.1); c.652-1699G>C (NM_145726.3); c.571-7635G>C (NM_001199427.2); short protein forms V213L, V240L.
Identifiers: ClinVar variation 3658735 (VCV003658735.2).

ClinVar aggregate classification (germline): Uncertain significance (1 of 4 stars; one submission).

Conditions:
Immunodeficiency 132A. Also called: Herpes simplex encephalitis, susceptibility to, 3. Identifiers: Orphanet 1930, MedGen C3553868, MONDO:0013920, OMIM 614849.

Submission:

Labcorp Genetics (formerly Invitae), Labcorp
Classification: Uncertain significance for Immunodeficiency 132A. Last evaluated: 2024-07-27. Review status: criteria provided, single submitter. Criteria: Invitae Variant Classification Sherloc (09022015). Collection method: clinical testing. Allele origin: germline.
Comment: This sequence change replaces valine, which is neutral and non-polar, with leucine, which is neutral and non-polar, at codon 240 of the TRAF3 protein (p.Val240Leu). This variant is not present in population databases (gnomAD no frequency). This variant has not been reported in the literature in individuals affected with TRAF3-related conditions. An algorithm developed to predict the effect of missense changes on protein structure and function (PolyPhen-2) suggests that this variant is likely to be tolerated. In summary, the available evidence is currently insufficient to determine the role of this variant in disease. Therefore, it has been classified as a Variant of Uncertain Significance.